The following is an entry in ClinVar:

NM_001854.4(COL11A1):c.2501A>T (p.Lys834Met)

Gene: COL11A1 (collagen type XI alpha 1 chain; minus strand). Cytogenetic location: 1p21.1.
Variant type: single nucleotide variant.
Coding change: c.2501A>T on transcript NM_001854.4 (MANE Select); coding-DNA position 2501, A replaced by T.
Protein change: p.Lys834Met; replaces lysine 834 with methionine.
Molecular consequence: missense variant. On other transcripts: non-coding transcript variant (1).
Genome position (GRCh38, 1-based): chr1:102,987,634, T>A on the plus strand (A>T on the coding strand, the complement: COL11A1 is on the minus strand). VCF-style: chr1-102987634-T-A. GRCh37 (hg19) VCF-style: chr1-103453190-T-A.
Other names: c.2153A>T, p.Lys718Met (NM_001168249.1, NM_080630.4); c.2384A>T, p.Lys795Met (NM_001190709.2); c.2537A>T, p.Lys846Met (NM_080629.3); short protein forms K718M, K846M, K834M, K795M.
Identifiers: ClinVar variation 1963805 (VCV001963805.5), dbSNP rs1311138776, ClinGen allele CA341165915.
Genomic context (GRCh38, chr1:102,987,634, plus strand): 5'-TAAATGATAATGAAACATCAGCTGCAAGAGTACCAGTGAATTTAAAGTCATTTACCAACC[T>A]TTTCTCCTGCTTGACCTGAAGGACCTGGGTCTCCAGTTGGGCCTGCTCGACCTTTGGGTC-3'
Protein context (NP_001845.3, residues 824-844): DPGPSGQAGE[Lys834Met]GKLGVPGLPG

ClinVar aggregate classification (germline): Uncertain significance (1 of 4 stars; one submission).

Allele frequency attached by ClinVar (database versions not stated): gnomAD exomes 0.00002.
gnomAD v4.1: 25 of 1,612,052 alleles (0.0016%); highest among the groups gnomAD compares: Non-Finnish European, 0.002%; no homozygotes.

Submission:

Labcorp Genetics (formerly Invitae), Labcorp
Classification: Uncertain significance. Last evaluated: 2025-05-21. Review status: criteria provided, single submitter. Criteria: Invitae Variant Classification Sherloc (09022015). Collection method: clinical testing. Allele origin: germline.
Comment: This sequence change replaces lysine, which is basic and polar, with methionine, which is neutral and non-polar, at codon 834 of the COL11A1 protein (p.Lys834Met). This variant is present in population databases (no rsID available, gnomAD 0.0009%). This variant has not been reported in the literature in individuals affected with COL11A1-related conditions. ClinVar contains an entry for this variant (Variation ID: 1963805). Experimental studies and prediction algorithms are not available or were not evaluated, and the functional significance of this variant is currently unknown. In summary, the available evidence is currently insufficient to determine the role of this variant in disease. Therefore, it has been classified as a Variant of Uncertain Significance.